The following is an entry in ClinVar:

ClinVar aggregate classification (germline): Uncertain significance. Review status: criteria provided, multiple submitters, no conflicts (2 of 4 stars). 2 submissions from 2 submitters: Uncertain significance (2). Last evaluated 2025-10-23.

Conditions:
Idiopathic Pulmonary Fibrosis. Also called: Idiopathic fibrosing alveolitis, chronic form; idiopathic fibrosing alveolitis. Identifiers: Orphanet 2032, MedGen C1800706, MeSH D054990, MONDO:0800504.
Dyskeratosis congenita, autosomal dominant 2. Identifiers: MedGen C3151443, MONDO:0013521, OMIM 613989.
Dyskeratosis congenita. Identifiers: Orphanet 1775, MedGen C0265965, MONDO:0015780.

Submissions (2):

Labcorp Genetics (formerly Invitae), Labcorp
Classification: Uncertain significance for Dyskeratosis congenita, autosomal dominant 2; Idiopathic Pulmonary Fibrosis. Last evaluated: 2025-10-23. Review status: criteria provided, single submitter. Criteria: Invitae Variant Classification Sherloc (09022015). Collection method: clinical testing. Allele origin: germline.
Comment: This sequence change replaces histidine, which is basic and polar, with glutamine, which is neutral and polar, at codon 294 of the TERT protein (p.His294Gln). This variant is not present in population databases (gnomAD no frequency). This variant has not been reported in the literature in individuals affected with TERT-related conditions. ClinVar contains an entry for this variant (Variation ID: 1764793). Invitae Evidence Modeling of protein sequence and biophysical properties (such as structural, functional, and spatial information, amino acid conservation, physicochemical variation, residue mobility, and thermodynamic stability) indicates that this missense variant is not expected to disrupt TERT protein function with a negative predictive value of 95%. In summary, the available evidence is currently insufficient to determine the role of this variant in disease. Therefore, it has been classified as a Variant of Uncertain Significance.

Ambry Genetics
Classification: Uncertain significance for Dyskeratosis congenita. Last evaluated: 2022-04-08. Review status: criteria provided, single submitter. Criteria: Ambry Variant Classification Scheme 2023. Collection method: clinical testing. Allele origin: germline.
Comment: The p.H294Q variant (also known as c.882C>G), located in coding exon 2 of the TERT gene, results from a C to G substitution at nucleotide position 882. The histidine at codon 294 is replaced by glutamine, an amino acid with highly similar properties. This amino acid position is conserved. In addition, this alteration is predicted to be tolerated by in silico analysis. Since supporting evidence is limited at this time, the clinical significance of this alteration remains unclear.

NM_198253.3(TERT):c.882C>G (p.His294Gln)

Gene: TERT (telomerase reverse transcriptase; minus strand). Cytogenetic location: 5p15.33.
Variant type: single nucleotide variant.
Coding change: c.882C>G on transcript NM_198253.3 (MANE Select); coding-DNA position 882, C replaced by G.
Protein change: p.His294Gln; replaces histidine 294 with glutamine.
Molecular consequence: missense variant. On other transcripts: non-coding transcript variant (2).
Genome position (GRCh38, 1-based): chr5:1,294,004, G>C on the plus strand (C>G on the coding strand, the complement: TERT is on the minus strand). VCF-style: chr5-1294004-G-C. GRCh37 (hg19) VCF-style: chr5-1294119-G-C.
Other names: c.882C>G, p.His294Gln (NM_001193376.3, NM_003219.1); short protein forms H294Q.
Identifiers: ClinVar variation 1764793 (VCV001764793.3), dbSNP rs2478418585, ClinGen allele CA359056330.
Genomic context (GRCh38, chr5:1,294,004, plus strand): 5'-TGGTGGCCGCGATGTGGATGGGGGGCCCGCGTGGTGCTGGCGGCCCACGGATGGGTGGGA[G>C]TGGCGCGTGCCAGAGAGCGCACCCTCCAAAGAGGTGGCTTCTTCGGCGGGTCTGGCAGGT-3'
Protein context (NP_937983.2, residues 284-304): SLEGALSGTR[His294Gln]SHPSVGRQHH